The following is an entry in ClinVar:

ClinVar aggregate classification (germline): Uncertain significance (1 of 4 stars; one submission).

Allele frequency attached by ClinVar (database versions not stated): TOPMed below 0.00001; ExAC 0.00002; gnomAD exomes 0.00002.
gnomAD v4.1: 31 of 1,614,200 alleles (0.0019%); highest among the groups gnomAD compares: Non-Finnish European, 0.0025%; no homozygotes.

Submission:

Labcorp Genetics (formerly Invitae), Labcorp
Classification: Uncertain significance. Last evaluated: 2024-02-07. Review status: criteria provided, single submitter. Criteria: Invitae Variant Classification Sherloc (09022015). Collection method: clinical testing. Allele origin: germline.
Comment: This sequence change replaces valine, which is neutral and non-polar, with isoleucine, which is neutral and non-polar, at codon 145 of the EMC1 protein (p.Val145Ile). This variant is present in population databases (rs768867636, gnomAD 0.004%). This variant has not been reported in the literature in individuals affected with EMC1-related conditions. Advanced modeling of protein sequence and biophysical properties (such as structural, functional, and spatial information, amino acid conservation, physicochemical variation, residue mobility, and thermodynamic stability) performed at Invitae indicates that this missense variant is not expected to disrupt EMC1 protein function with a negative predictive value of 80%. In summary, the available evidence is currently insufficient to determine the role of this variant in disease. Therefore, it has been classified as a Variant of Uncertain Significance.

NM_015047.3(EMC1):c.433G>A (p.Val145Ile)

Gene: EMC1 (ER membrane protein complex subunit 1; minus strand). Cytogenetic location: 1p36.13.
Variant type: single nucleotide variant.
Coding change: c.433G>A on transcript NM_015047.3 (MANE Select); coding-DNA position 433, G replaced by A.
Protein change: p.Val145Ile; replaces valine 145 with isoleucine.
Molecular consequence: missense variant.
Genome position (GRCh38, 1-based): chr1:19,242,421, C>T on the plus strand (G>A on the coding strand, the complement: EMC1 is on the minus strand). VCF-style: chr1-19242421-C-T. GRCh37 (hg19) VCF-style: chr1-19568915-C-T.
Other names: c.433G>A, p.Val145Ile (NM_001271427.2, NM_001271428.2, NM_001375820.1 and 1 more transcripts); c.367G>A, p.Val123Ile (NM_001271429.2); short protein forms V145I, V123I.
Identifiers: ClinVar variation 2917248 (VCV002917248.3), dbSNP rs768867636, ClinGen allele CA652913.